The following is an entry in ClinVar:

ClinVar aggregate classification (germline): Uncertain significance (1 of 4 stars; one submission).

Conditions:
Frontotemporal dementia and/or amyotrophic lateral sclerosis 1 (FTDALS1). Also called: C9orf72 Frontotemporal Dementia and/or Amyotrophic Lateral Sclerosis; Frontotemporal dementia with motor neuron disease 1. Identifiers: Orphanet 275872, MedGen C5779877, MONDO:0007105, OMIM 105550.
Paget disease of bone 2, early-onset (PDB2). Also called: Paget disease of bone 2. Identifiers: MedGen C4085251, MONDO:0011183, OMIM 602080.

Submission:

Labcorp Genetics (formerly Invitae), Labcorp
Classification: Uncertain significance for Paget disease of bone 2, early-onset; Frontotemporal dementia and/or amyotrophic lateral sclerosis 1. Last evaluated: 2022-07-11. Review status: criteria provided, single submitter. Criteria: Invitae Variant Classification Sherloc (09022015). Collection method: clinical testing. Allele origin: germline.
Comment: In summary, the available evidence is currently insufficient to determine the role of this variant in disease. Therefore, it has been classified as a Variant of Uncertain Significance. Algorithms developed to predict the effect of sequence changes on RNA splicing suggest that this variant may disrupt the consensus splice site. Algorithms developed to predict the effect of missense changes on protein structure and function are either unavailable or do not agree on the potential impact of this missense change (SIFT: "Deleterious"; PolyPhen-2: "Possibly Damaging"; Align-GVGD: "Class C0"). ClinVar contains an entry for this variant (Variation ID: 1014656). This variant has not been reported in the literature in individuals affected with SQSTM1-related conditions. This variant is not present in population databases (gnomAD no frequency). This sequence change replaces glutamic acid, which is acidic and polar, with glutamine, which is neutral and polar, at codon 352 of the SQSTM1 protein (p.Glu352Gln).

NM_003900.5(SQSTM1):c.1054G>C (p.Glu352Gln)

Gene: SQSTM1 (sequestosome 1; plus strand). Cytogenetic location: 5q35.3.
Variant type: single nucleotide variant.
Coding change: c.1054G>C on transcript NM_003900.5 (MANE Select); coding-DNA position 1054, G replaced by C.
Protein change: p.Glu352Gln; replaces glutamic acid 352 with glutamine.
Molecular consequence: missense variant.
Genome position (GRCh38, 1-based): chr5:179,833,671, G>C. VCF-style: chr5-179833671-G-C. GRCh37 (hg19) VCF-style: chr5-179260671-G-C.
Other names: c.802G>C, p.Glu268Gln (NM_001142298.2, NM_001142299.2); short protein forms E268Q, E352Q.
Identifiers: ClinVar variation 1014656 (VCV001014656.8), dbSNP rs765610848, ClinGen allele CA362452641.
Genomic context (GRCh38, chr5:179,833,671, plus strand): 5'-TCAGGAGGAGATGATGACTGGACCCATCTGTCTTCAAAAGAAGTGGACCCGTCTACAGGT[G>C]AACTCCAGTCCCTACAGATGCCAGAATCCGAAGGGCCAAGCTCTCTGGACCCCTCCCAGG-3'
Protein context (NP_003891.1, residues 342-362): SSKEVDPSTG[Glu352Gln]LQSLQMPESE